The following is an entry in ClinVar:

ClinVar aggregate classification (germline): Uncertain significance (1 of 4 stars; one submission).

Conditions:
Facioscapulohumeral muscular dystrophy 2 (FSHD2). Also called: MUSCULAR DYSTROPHY, FACIOSCAPULOHUMERAL, TYPE 1B; FACIOSCAPULOHUMERAL MUSCULAR DYSTROPHY 2, DIGENIC; FSHD2, DIGENIC. Identifiers: Orphanet 269, MedGen C1834671, MONDO:0008031, OMIM 158901.

Submission:

Labcorp Genetics (formerly Invitae), Labcorp
Classification: Uncertain significance for Facioscapulohumeral muscular dystrophy 2. Last evaluated: 2025-10-12. Review status: criteria provided, single submitter. Criteria: Invitae Variant Classification Sherloc (09022015). Collection method: clinical testing. Allele origin: germline.
Comment: This sequence change replaces alanine, which is neutral and non-polar, with serine, which is neutral and polar, at codon 198 of the SMCHD1 protein (p.Ala198Ser). This variant is not present in population databases (gnomAD no frequency). This variant has not been reported in the literature in individuals affected with SMCHD1-related conditions. Invitae Evidence Modeling of protein sequence and biophysical properties (such as structural, functional, and spatial information, amino acid conservation, physicochemical variation, residue mobility, and thermodynamic stability) indicates that this missense variant is expected to disrupt SMCHD1 protein function with a positive predictive value of 80%. In summary, the available evidence is currently insufficient to determine the role of this variant in disease. Therefore, it has been classified as a Variant of Uncertain Significance.

NM_015295.3(SMCHD1):c.592G>T (p.Ala198Ser)

Gene: SMCHD1 (structural maintenance of chromosomes flexible hinge domain containing 1; plus strand). Cytogenetic location: 18p11.32.
Variant type: single nucleotide variant.
Coding change: c.592G>T on transcript NM_015295.3 (MANE Select); coding-DNA position 592, G replaced by T.
Protein change: p.Ala198Ser; replaces alanine 198 with serine.
Molecular consequence: missense variant.
Genome position (GRCh38, 1-based): chr18:2,674,099, G>T. VCF-style: chr18-2674099-G-T. GRCh37 (hg19) VCF-style: chr18-2674098-G-T.
Other names: short protein forms A198S.
Identifiers: ClinVar variation 4740334 (VCV004740334.1).